The following is an entry in ClinVar:

ClinVar aggregate classification (germline): Benign/Likely benign. Review status: criteria provided, multiple submitters, no conflicts (2 of 4 stars). 2 submissions from 2 submitters: Benign (1); Likely benign (1). Last evaluated 2025-10-06.

Conditions:
Early-infantile DEE. Also called: Ohtahara syndrome; Early infantile epileptic encephalopathy with suppression bursts; Early infantile epileptic encephalopathy. Identifiers: Orphanet 1934, MedGen C0393706, MONDO:0800491.

Allele frequency attached by ClinVar (database versions not stated): gnomAD 0.00007 and 0.00016; TOPMed 0.00009; 1000 Genomes Project 30x 0.00187; 1000 Genomes Project 0.00220.
gnomAD v4.1: 168 of 1,612,954 alleles (0.01%); highest among the groups gnomAD compares: East Asian, 0.21%; 2 homozygotes.

Submissions (2):

Labcorp Genetics (formerly Invitae), Labcorp
Classification: Benign for Early-infantile DEE. Last evaluated: 2025-10-06. Review status: criteria provided, single submitter. Criteria: Invitae Variant Classification Sherloc (09022015). Collection method: clinical testing. Allele origin: germline.

GeneDx
Classification: Likely benign. Last evaluated: 2016-06-09. Review status: criteria provided, single submitter. Criteria: GeneDx Variant Classification (06012015). Collection method: clinical testing. Allele origin: germline. Affected: yes.
Comment: This variant is considered likely benign or benign based on one or more of the following criteria: it is a conservative change, it occurs at a poorly conserved position in the protein, it is predicted to be benign by multiple in silico algorithms, and/or has population frequency not consistent with disease.

NM_001191061.2(SLC25A22):c.743-16C>T

Gene: SLC25A22 (solute carrier family 25 member 22; minus strand). Cytogenetic location: 11p15.5.
Variant type: single nucleotide variant.
Coding change: c.743-16C>T on transcript NM_001191061.2 (MANE Select); 16 bases into the intron before coding-DNA position 743, C replaced by T.
Molecular consequence: intron variant.
Genome position (GRCh38, 1-based): chr11:792,233, G>A on the plus strand (C>T on the coding strand, the complement: SLC25A22 is on the minus strand). VCF-style: chr11-792233-G-A. GRCh37 (hg19) VCF-style: chr11-792233-G-A.
Other names: c.743-16C>T (NM_001191060.2, NM_024698.6).
Identifiers: ClinVar variation 378595 (VCV000378595.10), dbSNP rs200493024, ClinGen allele CA5789064.
Genomic context (GRCh38, chr11:792,233, plus strand): 5'-CCTCGTTGACGCCTCGCTGAAGTGACTGGAGCCGCGTCTTCACCACTGCAAGGGGCGCTC[G>A]GGTCAGTGTGAGCCTGGCCAAGGGCTCAGTCCCGCCCCATCCCCAGCCGGGCGCCATCCC-3'